The following is an entry in ClinVar:

NM_000128.4(F11):c.527C>T (p.Thr176Ile)

Gene: F11 (coagulation factor XI; plus strand). Cytogenetic location: 4q35.2.
Variant type: single nucleotide variant.
Coding change: c.527C>T on transcript NM_000128.4 (MANE Select); coding-DNA position 527, C replaced by T.
Protein change: p.Thr176Ile; replaces threonine 176 with isoleucine.
Molecular consequence: missense variant.
Genome position (GRCh38, 1-based): chr4:186,275,828, C>T. VCF-style: chr4-186275828-C-T. GRCh37 (hg19) VCF-style: chr4-187196982-C-T.
Other names: short protein forms T176I.
Identifiers: ClinVar variation 3730946 (VCV003730946.1).
Genomic context (GRCh38, chr4:186,275,828, plus strand): 5'-CCTTTTTCTTTTTATTCAGTAACATTTGTCTACTGAAGCACACCCAAACAGGGACACCAA[C>T]CAGAATAACGAAGCTCGATAAAGTGGTGTCTGGATTTTCACTGAAATCCTGTGCACTTTC-3'
Protein context (NP_000119.1, residues 166-186): LLKHTQTGTP[Thr176Ile]RITKLDKVVS

ClinVar aggregate classification (germline): Uncertain significance (1 of 4 stars; one submission).

Submission:

GeneDx
Classification: Uncertain significance. Last evaluated: 2024-08-07. Review status: criteria provided, single submitter. Criteria: GeneDx Variant Classification Process June 2021. Collection method: clinical testing. Allele origin: germline. Affected: yes.
Comment: Not observed at significant frequency in large population cohorts (gnomAD); In silico analysis supports that this missense variant has a deleterious effect on protein structure/function; Has not been previously published as pathogenic or benign to our knowledge